The following is an entry in ClinVar:

ClinVar aggregate classification (germline): Uncertain significance. Review status: criteria provided, multiple submitters, no conflicts (2 of 4 stars). 3 submissions from 3 submitters: Uncertain significance (3). Last evaluated 2025-08-06.

Conditions:
Inborn genetic diseases. Identifiers: MedGen C0950123, MeSH D030342.

Allele frequency attached by ClinVar (database versions not stated): gnomAD 0.00005; gnomAD exomes 0.00008; TOPMed 0.00008; ExAC 0.00011; 1000 Genomes Project 30x 0.00016; 1000 Genomes Project 0.00020.
gnomAD v4.1: 114 of 1,607,028 alleles (0.0071%); highest among the groups gnomAD compares: East Asian, 0.14%; no homozygotes.

Submissions (7):

Labcorp Genetics (formerly Invitae), Labcorp
Classification: Uncertain significance. Last evaluated: 2025-08-06. Review status: criteria provided, single submitter. Criteria: Invitae Variant Classification Sherloc (09022015). Collection method: clinical testing. Allele origin: germline.
Comment: This sequence change replaces arginine, which is basic and polar, with tryptophan, which is neutral and slightly polar, at codon 1185 of the COL27A1 protein (p.Arg1185Trp). This variant is present in population databases (rs183678867, gnomAD 0.08%). This variant has not been reported in the literature in individuals affected with COL27A1-related conditions. ClinVar contains an entry for this variant (Variation ID: 2083181). An algorithm developed to predict the effect of missense changes on protein structure and function (PolyPhen-2) suggests that this variant is likely to be disruptive. Algorithms developed to predict the effect of sequence changes on RNA splicing suggest that this variant may disrupt the consensus splice site. In summary, the available evidence is currently insufficient to determine the role of this variant in disease. Therefore, it has been classified as a Variant of Uncertain Significance.

Blueprint Genetics
Classification: Uncertain significance. Last evaluated: 2024-10-07. Review status: criteria provided, single submitter. Criteria: ACMG Guidelines, 2015. Collection method: clinical testing. Allele origin: germline.

Ambry Genetics
Classification: Uncertain significance for Inborn genetic diseases. Last evaluated: 2023-11-06. Review status: criteria provided, single submitter. Criteria: Ambry Variant Classification Scheme 2023. Collection method: clinical testing. Allele origin: germline.

Dr. Peter K. Rogan Lab, Western University
No classification provided (evidence only). Condition: Clear cell carcinoma of kidney. Review status: no classification provided. Collection method: in vitro. Allele origin: not applicable. Functional consequence: skipped exon, retained intron. Not counted in ClinVar's aggregate classification.

Dr. Peter K. Rogan Lab, Western University
No classification provided (evidence only). Condition: Hepatocellular carcinoma. Review status: no classification provided. Collection method: in vitro. Allele origin: not applicable. Functional consequence: retained intron. Not counted in ClinVar's aggregate classification.

Dr. Peter K. Rogan Lab, Western University
No classification provided (evidence only). Condition: Gastric cancer. Review status: no classification provided. Collection method: in vitro. Allele origin: not applicable. Functional consequence: retained intron. Not counted in ClinVar's aggregate classification.

Dr. Peter K. Rogan Lab, Western University
No classification provided (evidence only). Condition: Hepatocellular carcinoma. Review status: no classification provided. Collection method: in vitro. Allele origin: not applicable. Functional consequence: retained intron. Not counted in ClinVar's aggregate classification.

NM_032888.4(COL27A1):c.3553C>T (p.Arg1185Trp)

Gene: COL27A1 (collagen type XXVII alpha 1 chain; plus strand). Cytogenetic location: 9q32.
Variant type: single nucleotide variant.
Coding change: c.3553C>T on transcript NM_032888.4 (MANE Select); coding-DNA position 3553, C replaced by T.
Protein change: p.Arg1185Trp; replaces arginine 1185 with tryptophan.
Molecular consequence: missense variant.
Genome position (GRCh38, 1-based): chr9:114,269,292, C>T. VCF-style: chr9-114269292-C-T. GRCh37 (hg19) VCF-style: chr9-117031572-C-T.
Other names: c.3553C>T (NM_032888.2); short protein forms R1185W.
Identifiers: ClinVar variation 2083181 (VCV002083181.5), dbSNP rs183678867, ClinGen allele CA5202531.